The following is an entry in ClinVar:

NM_174905.4(TSLIG3C):c.1030AAG[7] (p.Lys349_Ter350insLys)

Gene: TSLIG3C (tRNA splicing ligase complex subunit 3C; plus strand). Cytogenetic location: 19q13.2.
Variant type: Microsatellite.
Coding change: c.1030AAG[7] on transcript NM_174905.4 (MANE Select); seven copies in a row of the 3-base unit AAG starting at c.1030; the reference has six copies in a row; one copy, 3 bases duplicated.
Protein change: p.Lys349_Ter350insLys.
Genome position (GRCh38, 1-based): chr19:38,408,877-38,408,879, AAG duplicated; duplicating any 3 consecutive bases within chr19:38,408,862-38,408,879 gives the same sequence; the position shown is the placement nearest the transcript's 3' end. VCF-style (leftmost placement, unchanged base first): chr19-38408861-C-CAAG. GRCh37 (hg19) VCF-style: chr19-38899501-C-CAAG.
Other names: c.784AAG[7], p.Lys267_Ter268insLys (NM_001351675.1).
Identifiers: ClinVar variation 3059298 (VCV003059298.2), dbSNP rs59917662, ClinGen allele CA9415096.

ClinVar aggregate classification (germline): Benign (0 of 4 stars; one submission).

Conditions:
FAM98C-related disorder. Also called: FAM98C-related condition.

Submission:

PreventionGenetics, part of Exact Sciences
Classification: Benign for FAM98C-related condition. Last evaluated: 2020-01-03. Review status: no assertion criteria provided. Collection method: clinical testing. Allele origin: germline.
Comment: This variant is classified as benign based on ACMG/AMP sequence variant interpretation guidelines (Richards et al. 2015 PMID: 25741868, with internal and published modifications).